The following is an entry in ClinVar:

NM_002108.4(HAL):c.1018G>A (p.Val340Met)

Gene: HAL (histidine ammonia-lyase; minus strand). Cytogenetic location: 12q23.1.
Variant type: single nucleotide variant.
Coding change: c.1018G>A on transcript NM_002108.4 (MANE Select); coding-DNA position 1018, G replaced by A.
Protein change: p.Val340Met; replaces valine 340 with methionine.
Molecular consequence: missense variant.
Genome position (GRCh38, 1-based): chr12:95,987,100, C>T on the plus strand (G>A on the coding strand, the complement: HAL is on the minus strand). VCF-style: chr12-95987100-C-T. GRCh37 (hg19) VCF-style: chr12-96380878-C-T.
Other names: c.394G>A, p.Val132Met (NM_001258333.2); c.1018G>A, p.Val340Met (NM_001258334.2); short protein forms V132M, V340M.
Identifiers: ClinVar variation 2444415 (VCV002444415.1), dbSNP rs762862322, ClinGen allele CA6727742.

ClinVar aggregate classification (germline): Uncertain significance (1 of 4 stars; one submission).

Conditions:
Histidinemia. Also called: HAL DEFICIENCY; HIS DEFICIENCY; HISTIDASE DEFICIENCY; HISTIDINE AMMONIA-LYASE DEFICIENCY; Hyperhistidinemia; Deficiency of histidine ammonia-lyase. Identifiers: Orphanet 2157, MedGen C0220992, MONDO:0009345, OMIM 235800, HP:0010906.

Allele frequency attached by ClinVar (database versions not stated): TOPMed 0.00002; ExAC 0.00007; gnomAD 0.00007; gnomAD exomes 0.00012.
gnomAD v4.1: 178 of 1,613,464 alleles (0.011%); highest among the groups gnomAD compares: East Asian, 0.39%; 2 homozygotes.

Submission:

3billion
Classification: Uncertain significance for Histidinemia. Last evaluated: 2023-02-23. Review status: criteria provided, single submitter. Criteria: ACMG Guidelines, 2015. Collection method: clinical testing. Allele origin: unknown. Affected: yes.
Comment: The variant is observed at an extremely low frequency in the gnomAD v2.1.1 dataset (total allele frequency: 0.004%). In silico tool predictions suggest damaging effect of the variant on gene or gene product (REVEL: 0.77). Therefore, this variant is classified as VUS according to the recommendation of ACMG/AMP guideline.